The following is an entry in ClinVar:

NM_001287.6(CLCN7):c.1958A>C (p.Asp653Ala)

Gene: CLCN7 (chloride voltage-gated channel 7; minus strand). Cytogenetic location: 16p13.3.
Variant type: single nucleotide variant.
Coding change: c.1958A>C on transcript NM_001287.6 (MANE Select); coding-DNA position 1958, A replaced by C.
Protein change: p.Asp653Ala; replaces aspartic acid 653 with alanine.
Molecular consequence: missense variant.
Genome position (GRCh38, 1-based): chr16:1,448,410, T>G on the plus strand (A>C on the coding strand, the complement: CLCN7 is on the minus strand). VCF-style: chr16-1448410-T-G. GRCh37 (hg19) VCF-style: chr16-1498411-T-G.
Other names: c.1886A>C, p.Asp629Ala (NM_001114331.3); short protein forms D629A, D653A.
Identifiers: ClinVar variation 1362936 (VCV001362936.6), dbSNP rs2142367269, ClinGen allele CA394186096.

ClinVar aggregate classification (germline): Uncertain significance (1 of 4 stars; one submission).

Allele frequency attached by ClinVar (database versions not stated): gnomAD exomes below 0.00001.
gnomAD v4.1: 6 of 1,612,698 alleles (0.00037%); highest among the groups gnomAD compares: African/African-American, 0.0013%; no homozygotes.

Submission:

Labcorp Genetics (formerly Invitae), Labcorp
Classification: Uncertain significance. Last evaluated: 2025-09-23. Review status: criteria provided, single submitter. Criteria: Invitae Variant Classification Sherloc (09022015). Collection method: clinical testing. Allele origin: germline.
Comment: This sequence change replaces aspartic acid, which is acidic and polar, with alanine, which is neutral and non-polar, at codon 653 of the CLCN7 protein (p.Asp653Ala). This variant is not present in population databases (gnomAD no frequency). This variant has not been reported in the literature in individuals affected with CLCN7-related conditions. ClinVar contains an entry for this variant (Variation ID: 1362936). Invitae Evidence Modeling of protein sequence and biophysical properties (such as structural, functional, and spatial information, amino acid conservation, physicochemical variation, residue mobility, and thermodynamic stability) indicates that this missense variant is not expected to disrupt CLCN7 protein function with a negative predictive value of 95%. In summary, the available evidence is currently insufficient to determine the role of this variant in disease. Therefore, it has been classified as a Variant of Uncertain Significance.